The following is an entry in ClinVar:

ClinVar aggregate classification (germline): Uncertain significance. Review status: criteria provided, multiple submitters, no conflicts (2 of 4 stars). 2 submissions from 2 submitters: Uncertain significance (2). Last evaluated 2025-12-09.

Conditions:
Inborn genetic diseases. Identifiers: MedGen C0950123, MeSH D030342.

Allele frequency attached by ClinVar (database versions not stated): TOPMed 0.00002.
gnomAD v4.1: 7 of 1,614,052 alleles (0.00043%); highest among the groups gnomAD compares: East Asian, 0.016%; no homozygotes.

Submissions (2):

Ambry Genetics
Classification: Uncertain significance for Inborn genetic diseases. Last evaluated: 2025-12-09. Review status: criteria provided, single submitter. Criteria: Ambry Variant Classification Scheme 2023. Collection method: clinical testing. Allele origin: germline.

Labcorp Genetics (formerly Invitae), Labcorp
Classification: Uncertain significance. Last evaluated: 2019-10-13. Review status: criteria provided, single submitter. Criteria: Invitae Variant Classification Sherloc (09022015). Collection method: clinical testing. Allele origin: germline.
Comment: This sequence change replaces leucine with valine at codon 348 of the CAPN5 protein (p.Leu348Val). The leucine residue is highly conserved and there is a small physicochemical difference between leucine and valine. This variant is not present in population databases (ExAC no frequency). This variant has not been reported in the literature in individuals with CAPN5-related conditions. Algorithms developed to predict the effect of missense changes on protein structure and function are either unavailable or do not agree on the potential impact of this missense change (SIFT: "Deleterious"; PolyPhen-2: "Probably Damaging"; Align-GVGD: "Class C15"). Algorithms developed to predict the effect of sequence changes on RNA splicing suggest that this variant may create or strengthen a splice site, but this prediction has not been confirmed by published transcriptional studies. In summary, the available evidence is currently insufficient to determine the role of this variant in disease. Therefore, it has been classified as a Variant of Uncertain Significance.

NM_004055.5(CAPN5):c.1042C>G (p.Leu348Val)

Gene: CAPN5 (calpain 5; plus strand). Cytogenetic location: 11q13.5.
Variant type: single nucleotide variant.
Coding change: c.1042C>G on transcript NM_004055.5 (MANE Select); coding-DNA position 1042, C replaced by G.
Protein change: p.Leu348Val; replaces leucine 348 with valine.
Molecular consequence: missense variant.
Genome position (GRCh38, 1-based): chr11:77,118,227, C>G. VCF-style: chr11-77118227-C-G. GRCh37 (hg19) VCF-style: chr11-76829273-C-G.
Other names: short protein forms L348V.
Identifiers: ClinVar variation 937668 (VCV000937668.10), dbSNP rs1253993437, ClinGen allele CA381941351.
Genomic context (GRCh38, chr11:77,118,227, plus strand): 5'-GAGGACGTGTGCCGGTACTTCACGGACATCATCAAGTGCCGCGTGATCAACACATCCCAC[C>G]TGAGCATCCACAAGACGTGGGAGGAGGCCCGGCTGCATGGCGCCTGGACGCTGCATGAGG-3'
Protein context (NP_004046.2, residues 338-358): IKCRVINTSH[Leu348Val]SIHKTWEEAR